The following is an entry in ClinVar:

NM_003126.4(SPTA1):c.6223C>A (p.Leu2075Met)

Gene: SPTA1 (spectrin alpha, erythrocytic 1; minus strand). Cytogenetic location: 1q23.1.
Variant type: single nucleotide variant.
Coding change: c.6223C>A on transcript NM_003126.4 (MANE Select); coding-DNA position 6223, C replaced by A.
Protein change: p.Leu2075Met; replaces leucine 2075 with methionine.
Molecular consequence: missense variant.
Genome position (GRCh38, 1-based): chr1:158,620,364, G>T on the plus strand (C>A on the coding strand, the complement: SPTA1 is on the minus strand). VCF-style: chr1-158620364-G-T. GRCh37 (hg19) VCF-style: chr1-158590154-G-T.
Other names: short protein forms L2075M.
Identifiers: ClinVar variation 3341761 (VCV003341761.16).

ClinVar aggregate classification (germline): Uncertain significance (1 of 4 stars; one submission).

Submission:

CeGaT Center for Human Genetics Tuebingen
Classification: Uncertain significance. Last evaluated: 2024-08-01. Review status: criteria provided, single submitter. Criteria: CeGaT Center For Human Genetics Tuebingen Variant Classification Criteria Version 2. Collection method: clinical testing. Allele origin: germline. Affected: yes. Observed: 1 variant allele.
Comment: SPTA1: PM2